The following is an entry in ClinVar:

NM_004136.4(IREB2):c.2782-8C>T

Gene: IREB2 (iron responsive element binding protein 2; plus strand). Cytogenetic location: 15q25.1.
Variant type: single nucleotide variant.
Coding change: c.2782-8C>T on transcript NM_004136.4 (MANE Select); 8 bases into the intron before coding-DNA position 2782, C replaced by T.
Molecular consequence: intron variant.
Genome position (GRCh38, 1-based): chr15:78,498,025, C>T. VCF-style: chr15-78498025-C-T. GRCh37 (hg19) VCF-style: chr15-78790367-C-T.
Other names: c.2611-8C>T (NM_001354994.2, NM_001320942.2); c.2032-8C>T (NM_001320941.2).
Identifiers: ClinVar variation 1990119 (VCV001990119.1), dbSNP rs2051867098, ClinGen allele CA2189545744.
Genomic context (GRCh38, chr15:78,498,025, plus strand): 5'-GGTCTTAACCATCAAGTAGCACCTGGAAGATTTACTTGCTCACATGAGATGTTTTTGCTC[C>T]TTTCAAGACAAGCACTGGAAAAGTATTCAGCGTGATTGCTTCGTTTGAAGATGATGTGGA-3'

ClinVar aggregate classification (germline): Uncertain significance (1 of 4 stars; one submission).

Allele frequency attached by ClinVar (database versions not stated): gnomAD exomes below 0.00001; TOPMed below 0.00001.
gnomAD v4.1: 5 of 1,577,548 alleles (0.00032%); highest among the groups gnomAD compares: Non-Finnish European, 0.00035%; no homozygotes.

Submission:

Labcorp Genetics (formerly Invitae), Labcorp
Classification: Uncertain significance. Last evaluated: 2022-07-16. Review status: criteria provided, single submitter. Criteria: Invitae Variant Classification Sherloc (09022015). Collection method: clinical testing. Allele origin: germline.
Comment: This sequence change falls in intron 21 of the IREB2 gene. It does not directly change the encoded amino acid sequence of the IREB2 protein. This variant is not present in population databases (gnomAD no frequency). This variant has not been reported in the literature in individuals affected with IREB2-related conditions. Algorithms developed to predict the effect of sequence changes on RNA splicing suggest that this variant may create or strengthen a splice site. In summary, the available evidence is currently insufficient to determine the role of this variant in disease. Therefore, it has been classified as a Variant of Uncertain Significance.